The following is an entry in ClinVar:

NM_080911.3(UNG):c.35C>T (p.Ser12Phe)

Gene: UNG (uracil DNA glycosylase; plus strand). Cytogenetic location: 12q24.11.
Variant type: single nucleotide variant.
Coding change: c.35C>T on transcript NM_080911.3 (MANE Select); coding-DNA position 35, C replaced by T.
Protein change: p.Ser12Phe; replaces serine 12 with phenylalanine.
Molecular consequence: missense variant.
Genome position (GRCh38, 1-based): chr12:109,097,714, C>T. VCF-style: chr12-109097714-C-T. GRCh37 (hg19) VCF-style: chr12-109535519-C-T.
Other names: short protein forms S12F.
Identifiers: ClinVar variation 3625886 (VCV003625886.2).

ClinVar aggregate classification (germline): Uncertain significance (1 of 4 stars; one submission).

Conditions:
Hyper-IgM syndrome type 5 (HIGM5). Also called: Hyper-IgM Immunodeficiency Syndrome, Type 5. Identifiers: Orphanet 101092, MedGen C1720958, MONDO:0011971, OMIM 608106.

gnomAD v4.1: 3 of 1,595,640 alleles (0.00019%); highest among the groups gnomAD compares: Admixed American, 0.0017%; no homozygotes.

Submission:

Labcorp Genetics (formerly Invitae), Labcorp
Classification: Uncertain significance for Hyper-IgM syndrome type 5. Last evaluated: 2025-03-10. Review status: criteria provided, single submitter. Criteria: Invitae Variant Classification Sherloc (09022015). Collection method: clinical testing. Allele origin: germline.
Comment: This sequence change replaces serine, which is neutral and polar, with phenylalanine, which is neutral and non-polar, at codon 12 of the UNG protein (p.Ser12Phe). This variant is present in population databases (no rsID available, gnomAD 0.003%). This variant has not been reported in the literature in individuals affected with UNG-related conditions. An algorithm developed to predict the effect of missense changes on protein structure and function (PolyPhen-2) suggests that this variant is likely to be tolerated. In summary, the available evidence is currently insufficient to determine the role of this variant in disease. Therefore, it has been classified as a Variant of Uncertain Significance.